The following continues an entry in ClinVar:

NM_002834.5(PTPN11):c.802G>T (p.Gly268Cys)

Gene: PTPN11. ClinVar aggregate classification (germline): Pathogenic/Likely pathogenic. Pathogenic (14); Likely pathogenic (1).

Submissions 12 to 15 of 15:

Baylor Genetics
Classification: Pathogenic for LEOPARD syndrome 1. Last evaluated: 2022-12-12. Review status: criteria provided, single submitter. Criteria: ACMG Guidelines, 2015. Collection method: clinical testing. Allele origin: unknown.

Laboratory of Medical Genetics, National & Kapodistrian University of Athens
Classification: Pathogenic for Noonan syndrome 1. Last evaluated: 2021-10-01. Review status: criteria provided, single submitter. Criteria: ACMG Guidelines, 2015. Collection method: clinical testing. Allele origin: unknown. Affected: yes.
Comment: PM1, PM2, PP2, PP3, PP5

Rady Children's Institute for Genomic Medicine, Rady Children's Hospital San Diego
Classification: Pathogenic for PTPN11 Related Disorders. Last evaluated: 2019-10-30. Review status: criteria provided, single submitter. Criteria: ACMG Guidelines, 2015. Collection method: clinical testing. Allele origin: germline. Affected: yes.
Comment: This variant has been previously reported in at least three patients with Noonan Syndrome (PMID: 16358218, 26785492, 22465605). It is present in the heterozygous state in the gnomAD population database at a frequency of 0.001% (1/241992) and thus is presumed to be rare. The c.802G>T (p.Gly268Cys) variant affects a highly conserved amino acid and is predicted by multiple in silico tools to have a deleterious effect on protein function. ClinVar contains an entry for this variant (Variation ID: 40523). A different amino acid change at the same codon (p.Gly268Ser) has also been identified in individuals with Noonan Syndrome (PMID: 16358218, 26242988, 21590266). Analysis of the parental samples was negative for the variant, indicating this variant likely occurred as a de novo event. Based on the available evidence, the c.802G>T (p.Gly268Cys) variant is classified as Pathogenic.

Laboratory for Molecular Medicine, Mass General Brigham Personalized Medicine
Classification: Likely pathogenic for Noonan syndrome. Last evaluated: 2014-07-15. Review status: criteria provided, single submitter. Criteria: LMM Criteria. Collection method: clinical testing. Allele origin: germline. Inheritance: Autosomal dominant inheritance. Observed: 3 variant alleles.
Comment: The Gly268Cys variant in PTPN11 has been reported in two individuals with clinic al features of Noonan syndrome (Tartaglia 2006, LMM unpublished data), and is ab sent from large population studies. In addition, a second variant at this codon (Gly268Ser) has been identified in three affected individuals and segregated wit h disease in one of these individuals (Tartaglia 2006, Papadopoulou 2012), sugge sting that changes to this residue are not tolerated. Furthermore, glycine (Gly) at this position is highly conserved cross evolutionarily distant species and c omputational prediction tools suggest that the Gly268Cys variant may impact the protein. In summary, although additional studies are required to fully establish its clinical significance, the Gly268Cys variant is likely pathogenic.

Literature cited by the submitters: PubMed 16358218 (cited by 5 submitters); PubMed 21396583 (cited by Ambry Genetics); PubMed 21590266 (cited by 4 submitters); PubMed 22465605 (cited by 4 submitters); PubMed 26242988 (cited by Ambry Genetics and Variantyx, Inc.); PubMed 31941532 (cited by 3 submitters); PubMed 34008892 (cited by Ambry Genetics and Laboratory of Medical Genetics, National & Kapodistrian University of Athens); PubMed 35858754 (cited by Ambry Genetics); PubMed 26785492 (cited by 3 submitters); PubMed 32368696 (cited by Variantyx, Inc. and Women's Health and Genetics/Laboratory Corporation of America, LabCorp); PubMed 28991257 (cited by Variantyx, Inc. and Women's Health and Genetics/Laboratory Corporation of America, LabCorp).